The following is an entry in ClinVar:

ClinVar aggregate classification (germline): Benign (1 of 4 stars; one submission).

Conditions:
Congenital afibrinogenemia. Identifiers: Orphanet 335, Orphanet 98880, MedGen C2584774, MONDO:0008737, OMIM 202400.

Allele frequency attached by ClinVar (database versions not stated): 1000 Genomes Project 0.21326; TOPMed 0.24837; gnomAD 0.25394 and 0.25653; 1000 Genomes Project 30x 0.21252.
gnomAD v4.1: 38,958 of 152,010 alleles (26%); highest among the groups gnomAD compares: Middle Eastern, 37%; 5,574 homozygotes.

Submission:

Illumina Laboratory Services, Illumina
Classification: Benign for Congenital afibrinogenemia. Last evaluated: 2018-01-13. Review status: criteria provided, single submitter. Criteria: ICSL Variant Classification Criteria 13 December 2019. Collection method: clinical testing. Allele origin: germline.
Comment: This variant was observed in the ICSL laboratory as part of a predisposition screen in an ostensibly healthy population. It had not been previously curated by ICSL or reported in the Human Gene Mutation Database (HGMD: prior to June 1st, 2018), and was therefore a candidate for classification through an automated scoring system. Utilizing variant allele frequency, disease prevalence and penetrance estimates, and inheritance mode, an automated score was calculated to assess if this variant is too frequent to cause the disease. Based on the score and internal cut-off values, a variant classified as benign is not then subjected to further curation. The score for this variant resulted in a classification of benign for this disease.

NM_005141.5(FGB):c.*1550C>T

Gene: FGB (fibrinogen beta chain; plus strand). Cytogenetic location: 4q31.3.
Variant type: single nucleotide variant.
Coding change: c.*1550C>T on transcript NM_005141.5 (MANE Select); 1550 bases downstream of the stop codon, C replaced by T.
Molecular consequence: 3 prime UTR variant.
Genome position (GRCh38, 1-based): chr4:154,572,200, C>T. VCF-style: chr4-154572200-C-T. GRCh37 (hg19) VCF-style: chr4-155493352-C-T.
Other names: c.*1550C>T (NM_001184741.1, NM_001382759.1, NM_001382760.1 and 3 more transcripts); c.*1691C>T (NM_001382761.1); c.*1800C>T (NM_001382764.1).
Identifiers: ClinVar variation 347799 (VCV000347799.5), dbSNP rs1044291, ClinGen allele CA10617226.